The following is an entry in ClinVar:

ClinVar aggregate classification (germline): Likely benign. Review status: criteria provided, multiple submitters, no conflicts (2 of 4 stars). 3 submissions from 3 submitters: Likely benign (3). Last evaluated 2026-06-08.

Conditions:
Cardiovascular phenotype. Identifiers: MedGen CN230736.
TNXB-related disorder. Also called: TNXB-related condition.

Allele frequency attached by ClinVar (database versions not stated): gnomAD 0.00001; TOPMed 0.00001.
gnomAD v4.1: 52 of 1,612,470 alleles (0.0032%); highest among the groups gnomAD compares: Non-Finnish European, 0.0043%; no homozygotes.

Submissions (3):

Women's Health and Genetics/Laboratory Corporation of America, LabCorp
Classification: Likely benign. Last evaluated: 2026-06-08. Review status: criteria provided, single submitter. Criteria: LabCorp Variant Classification Summary - May 2015. Collection method: clinical testing. Allele origin: germline.

PreventionGenetics, part of Exact Sciences
Classification: Likely benign for TNXB-related condition. Last evaluated: 2025-01-11. Review status: criteria provided, single submitter. Criteria: ACMG Guidelines, 2015. Collection method: clinical testing. Allele origin: germline.
Comment: This variant is classified as likely benign based on ACMG/AMP sequence variant interpretation guidelines (Richards et al. 2015 PMID: 25741868, with internal and published modifications).

Ambry Genetics
Classification: Likely benign for Cardiovascular phenotype. Last evaluated: 2023-03-07. Review status: criteria provided, single submitter. Criteria: Ambry Variant Classification Scheme 2023. Collection method: clinical testing. Allele origin: germline.

NM_001365276.2(TNXB):c.7857T>A (p.Pro2619=)

Gene: TNXB (tenascin XB; minus strand). Cytogenetic location: 6p21.33.
Variant type: single nucleotide variant.
Coding change: c.7857T>A on transcript NM_001365276.2 (MANE Select); coding-DNA position 7857, T replaced by A.
Protein change: p.Pro2619=; no amino-acid change (proline 2619 retained).
Molecular consequence: synonymous variant.
Genome position (GRCh38, 1-based): chr6:32,056,872, A>T on the plus strand (T>A on the coding strand, the complement: TNXB is on the minus strand). VCF-style: chr6-32056872-A-T. GRCh37 (hg19) VCF-style: chr6-32024649-A-T.
Other names: c.7857T>A, p.Pro2619= (NM_019105.8).
Identifiers: ClinVar variation 2464412 (VCV002464412.4), dbSNP rs1301992335, ClinGen allele CA449732644.
Genomic context (GRCh38, chr6:32,056,872, plus strand): 5'-GGCATCTGTCATGGTCAGCTCCCCCAGGCGAGGCTTGATGGGGGGCTCAGGGGTCATGGT[A>T]GGCACTGCTTGGGTGGTCTCGGCTTCATCCTCTGGAGTTGGACAGACACGTGTGGGGACA-3'
Protein context (NP_001352205.1, residues 2609-2629): EDEAETTQAV[Pro2619=]TMTPEPPIKP